The following is an entry in ClinVar:

ClinVar aggregate classification (germline): Uncertain significance (1 of 4 stars; one submission).

gnomAD v4.1: 63 of 1,613,918 alleles (0.0039%); highest among the groups gnomAD compares: South Asian, 0.029%; no homozygotes.

Submission:

Labcorp Genetics (formerly Invitae), Labcorp
Classification: Uncertain significance. Last evaluated: 2024-04-14. Review status: criteria provided, single submitter. Criteria: Invitae Variant Classification Sherloc (09022015). Collection method: clinical testing. Allele origin: germline.
Comment: This sequence change replaces valine, which is neutral and non-polar, with isoleucine, which is neutral and non-polar, at codon 744 of the ROR1 protein (p.Val744Ile). This variant is present in population databases (rs150607362, gnomAD 0.04%). This variant has not been reported in the literature in individuals affected with ROR1-related conditions. Advanced modeling of protein sequence and biophysical properties (such as structural, functional, and spatial information, amino acid conservation, physicochemical variation, residue mobility, and thermodynamic stability) performed at Invitae indicates that this missense variant is not expected to disrupt ROR1 protein function with a negative predictive value of 80%. In summary, the available evidence is currently insufficient to determine the role of this variant in disease. Therefore, it has been classified as a Variant of Uncertain Significance.

NM_005012.4(ROR1):c.2230G>A (p.Val744Ile)

Gene: ROR1 (receptor tyrosine kinase like orphan receptor 1; plus strand). Cytogenetic location: 1p31.3.
Variant type: single nucleotide variant.
Coding change: c.2230G>A on transcript NM_005012.4 (MANE Select); coding-DNA position 2230, G replaced by A.
Protein change: p.Val744Ile; replaces valine 744 with isoleucine.
Molecular consequence: missense variant.
Genome position (GRCh38, 1-based): chr1:64,178,271, G>A. VCF-style: chr1-64178271-G-A. GRCh37 (hg19) VCF-style: chr1-64643954-G-A.
Other names: short protein forms V744I.
Identifiers: ClinVar variation 3632487 (VCV003632487.2).